The following is an entry in ClinVar:

NM_198578.4(LRRK2):c.4872C>A (p.Gly1624=)

Gene: LRRK2 (leucine rich repeat kinase 2; plus strand). Cytogenetic location: 12q12.
Variant type: single nucleotide variant.
Coding change: c.4872C>A on transcript NM_198578.4 (MANE Select); coding-DNA position 4872, C replaced by A.
Protein change: p.Gly1624=; no amino-acid change (glycine 1624 retained).
Molecular consequence: synonymous variant.
Genome position (GRCh38, 1-based): chr12:40,320,032, C>A. VCF-style: chr12-40320032-C-A. GRCh37 (hg19) VCF-style: chr12-40713834-C-A.
Other names: p.Gly1624=.
Identifiers: ClinVar variation 39197 (VCV000039197.26), dbSNP rs1427263, ClinGen allele CA343604.

ClinVar aggregate classification (germline): Benign. Review status: criteria provided, multiple submitters, no conflicts (2 of 4 stars). 10 submissions from 10 submitters: Benign (6). 4 of the submissions do not count toward it. Last evaluated 2026-02-04.

Conditions:
Autosomal dominant Parkinson disease 8. Also called: LRRK2-Related Parkinson Disease; Parkinson disease 8; Parkinson disease 8, susceptibility to. Identifiers: Orphanet 411602, MedGen C1846862, MONDO:0011764, OMIM 607060.

Allele frequency attached by ClinVar (database versions not stated): gnomAD exomes 0.66410 and 0.67920; ExAC 0.67808; 1000 Genomes Project 30x 0.68285; 1000 Genomes Project 0.68291; ESP Exome Variant Server 0.68590; TOPMed 0.69145; gnomAD 0.69918 and 0.70218.
gnomAD v4.1: 1,073,785 of 1,608,450 alleles (67%); highest among the groups gnomAD compares: African/African-American, 77%; 361,020 homozygotes.

Submissions (10):

Labcorp Genetics (formerly Invitae), Labcorp
Classification: Benign for Autosomal dominant Parkinson disease 8. Last evaluated: 2026-02-04. Review status: criteria provided, single submitter. Criteria: Invitae Variant Classification Sherloc (09022015). Collection method: clinical testing. Allele origin: germline.

Blueprint Genetics
Classification: Benign. Last evaluated: 2024-11-27. Review status: criteria provided, single submitter. Criteria: ACMG Guidelines, 2015. Collection method: clinical testing. Allele origin: germline.

Mayo Clinic Laboratories, Mayo Clinic
Classification: Benign. Last evaluated: 2022-03-24. Review status: criteria provided, single submitter. Criteria: ACMG Guidelines, 2015. Collection method: clinical testing. Allele origin: germline. Observed: 567 variant alleles.

GeneDx
Classification: Benign. Last evaluated: 2018-07-05. Review status: criteria provided, single submitter. Criteria: GeneDx Variant Classification Process June 2021. Collection method: clinical testing. Allele origin: germline. Affected: yes.

Illumina Laboratory Services, Illumina
Classification: Benign for Autosomal dominant Parkinson disease 8. Last evaluated: 2018-01-13. Review status: criteria provided, single submitter. Criteria: ICSL Variant Classification Criteria 13 December 2019. Collection method: clinical testing. Allele origin: germline.
Comment: This variant was observed in the ICSL laboratory as part of a predisposition screen in an ostensibly healthy population. It had not been previously curated by ICSL or reported in the Human Gene Mutation Database (HGMD: prior to June 1st, 2018), and was therefore a candidate for classification through an automated scoring system. Utilizing variant allele frequency, disease prevalence and penetrance estimates, and inheritance mode, an automated score was calculated to assess if this variant is too frequent to cause the disease. Based on the score and internal cut-off values, a variant classified as benign is not then subjected to further curation. The score for this variant resulted in a classification of benign for this disease.

Breakthrough Genomics
Classification: Benign. Review status: criteria provided, single submitter. Criteria: ACMG Guidelines, 2015. Collection method: not provided. Allele origin: germline. Inheritance: Autosomal dominant inheritance. Affected: yes.

Diagnostic Laboratory, Department of Genetics, University Medical Center Groningen
Classification: Benign. Review status: no assertion criteria provided. Collection method: clinical testing. Allele origin: germline. Affected: yes. Study: VKGL Data-share Consensus. Not counted in ClinVar's aggregate classification.

GeneReviews
No classification provided. Condition: Autosomal dominant Parkinson disease 8. Review status: no classification provided. Collection method: literature only. Allele origin: unknown. Not counted in ClinVar's aggregate classification.

Genome Diagnostics Laboratory, Amsterdam University Medical Center
Classification: Benign. Review status: no assertion criteria provided. Collection method: clinical testing. Allele origin: germline. Affected: yes. Study: VKGL Data-share Consensus. Not counted in ClinVar's aggregate classification.

Joint Genome Diagnostic Labs from Nijmegen and Maastricht, Radboudumc and MUMC+
Classification: Benign. Review status: no assertion criteria provided. Collection method: clinical testing. Allele origin: germline. Affected: yes. Study: VKGL Data-share Consensus. Not counted in ClinVar's aggregate classification.

Literature cited by the submitters: PubMed 20301387 (cited by GeneReviews); NCBI Bookshelf NBK1208 (cited by GeneReviews).